The following is an entry in ClinVar:

NM_138927.4(SON):c.232C>T (p.Arg78Ter)

Gene: SON (SON DNA and RNA binding protein; plus strand). Cytogenetic location: 21q22.11.
Variant type: single nucleotide variant.
Coding change: c.232C>T on transcript NM_138927.4 (MANE Select); coding-DNA position 232, C replaced by T.
Protein change: p.Arg78Ter; replaces arginine 78 with a stop codon.
Molecular consequence: nonsense. On other transcripts: non-coding transcript variant (1).
Genome position (GRCh38, 1-based): chr21:33,546,367, C>T. VCF-style: chr21-33546367-C-T. GRCh37 (hg19) VCF-style: chr21-34918673-C-T.
Other names: NR_103797.2:n.287C>T; c.232C>T, p.Arg78Ter (NM_001291411.2, NM_001291412.3, NM_001412132.1 and 4 more transcripts); short protein forms R78*.
Identifiers: ClinVar variation 2500889 (VCV002500889.1), dbSNP rs2517327457, ClinGen allele CA410149524.
Genomic context (GRCh38, chr21:33,546,367, plus strand): 5'-AATGAAGAAATAGTGCAGAAGATAGAGGAAGTACTTTCTGGGGTCTTAGATACAGAACTA[C>T]GATATAAGCCAGGTAAGTTGGAGATAATTAACTGTCTCAAAAATTTTCTTTTAAGATTTT-3'

ClinVar aggregate classification (germline): Likely pathogenic (1 of 4 stars; one submission).

Conditions:
ZTTK syndrome (ZTTKS). Also called: ZTTK MULTIPLE CONGENITAL ANOMALIES-MENTAL RETARDATION SYNDROME; Zhu-Tokita-Takenouchi-Kim Syndrome. Identifiers: Orphanet 500150, MedGen C4310696, MONDO:0014936, OMIM 617140.

Submission:

Broad Center for Mendelian Genomics, Broad Institute of MIT and Harvard
Classification: Likely pathogenic for ZTTK syndrome. Last evaluated: 2023-05-02. Review status: criteria provided, single submitter. Criteria: ACMG Guidelines, 2015. Collection method: curation. Allele origin: germline. Inheritance: Autosomal dominant inheritance.
Comment: The p.Arg78Ter variant in SON has not been previously reported in individuals with ZTTK syndrome. This variant was absent from large population studies. This nonsense variant leads to a premature termination codon at position 78, which is predicted to lead to a truncated or absent protein. Heterozygous loss of function of the SON gene is an established disease mechanism in autosomal dominant ZTTK syndrome. In summary, although additional studies are required to fully establish its clinical significance, this variant is likely pathogenic for autosomal dominant ZTTK syndrome. ACMG/AMP Criteria applied: PVS1, PM2_Supporting (Richards 2015).